The following is an entry in ClinVar:

ClinVar aggregate classification (germline): Pathogenic (1 of 4 stars; one submission).

Conditions:
Hereditary diffuse gastric adenocarcinoma (HDGC). Also called: DIFFUSE GASTRIC AND LOBULAR BREAST CANCER SYNDROME. Identifiers: Orphanet 26106, MedGen C1708349, MONDO:0007648, OMIM 137215.

Submission:

Myriad Genetics, Inc.
Classification: Pathogenic for Hereditary diffuse gastric adenocarcinoma. Last evaluated: 2023-06-13. Review status: criteria provided, single submitter. Criteria: Myriad Autosomal Dominant, Autosomal Recessive and X-Linked Classification Criteria (2023). Collection method: clinical testing. Allele origin: unknown.
Comment: This variant is considered pathogenic. This variant creates a termination codon and is predicted to result in premature protein truncation.

NM_004360.5(CDH1):c.1342C>T (p.Gln448Ter)

Gene: CDH1 (cadherin 1; plus strand). Cytogenetic location: 16q22.1.
Variant type: single nucleotide variant.
Coding change: c.1342C>T on transcript NM_004360.5 (MANE Select); coding-DNA position 1342, C replaced by T.
Protein change: p.Gln448Ter; replaces glutamine 448 with a stop codon.
Molecular consequence: nonsense. On other transcripts: 5 prime UTR variant (2).
Genome position (GRCh38, 1-based): chr16:68,815,536, C>T. VCF-style: chr16-68815536-C-T. GRCh37 (hg19) VCF-style: chr16-68849439-C-T.
Other names: c.1159C>T, p.Gln387Ter (NM_001317184.2); c.-207C>T (NM_001317185.2); c.-478C>T (NM_001317186.2); short protein forms Q387*, Q448*.
Identifiers: ClinVar variation 2583258 (VCV002583258.2), dbSNP rs1421067964, ClinGen allele CA396462714.